The following is an entry in ClinVar:

NM_000166.6(GJB1):c.425G>A (p.Arg142Gln)

Gene: GJB1 (gap junction protein beta 1; plus strand). Cytogenetic location: Xq13.1.
Variant type: single nucleotide variant.
Coding change: c.425G>A on transcript NM_000166.6 (MANE Select); coding-DNA position 425, G replaced by A.
Protein change: p.Arg142Gln; replaces arginine 142 with glutamine.
Molecular consequence: missense variant.
Genome position (GRCh38, 1-based): chrX:71,224,132, G>A. VCF-style: chrX-71224132-G-A. GRCh37 (hg19) VCF-style: chrX-70443982-G-A.
Other names: c.425G>A, p.Arg142Gln (NM_001097642.3); short protein forms R142Q.
Identifiers: ClinVar variation 188174 (VCV000188174.27), dbSNP rs786204123, ClinGen allele CA334230.
Genomic context (GRCh38, chrX:71,224,132, plus strand): 5'-GGCACAAGGTCCACATCTCAGGGACACTGTGGTGGACCTATGTCATCAGCGTGGTGTTCC[G>A]GCTGTTGTTTGAGGCCGTCTTCATGTATGTCTTTTATCTGCTCTACCCTGGCTATGCCAT-3'
Protein context (NP_000157.1, residues 132-152): WWTYVISVVF[Arg142Gln]LLFEAVFMYV

ClinVar aggregate classification (germline): Pathogenic/Likely pathogenic. Review status: criteria provided, multiple submitters, no conflicts (2 of 4 stars). 7 submissions from 7 submitters: Pathogenic (3); Likely pathogenic (3). 1 of the submissions does not count toward it. Last evaluated 2025-04-02.

Conditions:
Charcot-Marie-Tooth disease. Also called: Charcot-Marie-Tooth Hereditary Neuropathy; Charcot-Marie-Tooth Neuropathy. Identifiers: Orphanet 166, MedGen C0007959, MONDO:0015626.
Inborn genetic diseases. Identifiers: MedGen C0950123, MeSH D030342.
Charcot-Marie-Tooth Neuropathy X. Identifiers: MedGen CN118851.
Charcot-Marie-Tooth disease X-linked dominant 1. Also called: X-linked Charcot-Marie-Tooth disease type 1; CHARCOT-MARIE-TOOTH NEUROPATHY, X-LINKED, 1; CHARCOT-MARIE-TOOTH PERONEAL MUSCULAR ATROPHY, X-LINKED; HEREDITARY MOTOR AND SENSORY NEUROPATHY, X-LINKED; HMSN, X-LINKED; GJB1 Disorders: Charcot-Marie-Tooth Neuropathy (CMT1X) and Central Nervous System Phenotypes. Identifiers: Orphanet 101075, MedGen C0393808, MONDO:0010549, OMIM 302800.

Submissions (7):

Labcorp Genetics (formerly Invitae), Labcorp
Classification: Pathogenic for Charcot-Marie-Tooth Neuropathy X. Last evaluated: 2025-04-02. Review status: criteria provided, single submitter. Criteria: Invitae Variant Classification Sherloc (09022015). Collection method: clinical testing. Allele origin: germline.
Comment: This sequence change replaces arginine, which is basic and polar, with glutamine, which is neutral and polar, at codon 142 of the GJB1 protein (p.Arg142Gln). This variant is not present in population databases (gnomAD no frequency). This missense change has been observed in individuals with CMT1X (PMID: 9361298, 10102421, 11571214). ClinVar contains an entry for this variant (Variation ID: 188174). Invitae Evidence Modeling of protein sequence and biophysical properties (such as structural, functional, and spatial information, amino acid conservation, physicochemical variation, residue mobility, and thermodynamic stability) indicates that this missense variant is expected to disrupt GJB1 protein function with a positive predictive value of 95%. This variant disrupts the p.Arg142 amino acid residue in GJB1. Other variant(s) that disrupt this residue have been determined to be pathogenic (PMID: 8004109, 9361298, 10207904, 10848620). This suggests that this residue is clinically significant, and that variants that disrupt this residue are likely to be disease-causing. For these reasons, this variant has been classified as Pathogenic.

Ambry Genetics
Classification: Likely pathogenic for Inborn genetic diseases. Last evaluated: 2022-12-08. Review status: criteria provided, single submitter. Criteria: Ambry Variant Classification Scheme 2023. Collection method: clinical testing. Allele origin: germline.
Comment: The c.425G>A (p.R142Q) alteration is located in exon 2 (coding exon 1) of the GJB1 gene. This alteration results from a G to A substitution at nucleotide position 425, causing the arginine (R) at amino acid position 142 to be replaced by a glutamine (Q). This variant was not reported in population-based cohorts in the Genome Aggregation Database (gnomAD). This variant has been reported in multiple unrelated individuals in the hemizygous and heterozygous state in mildly affected females with features consistent with Charcot-Marie-Tooth disease (Dubourg, 2001; Kim, 2012; Milley, 2016; Lu, 2017; Chen, 2019; Hardy, 2019; Tian, 2021; Volodarsky, 2021). In addition, this alteration was shown to segregate with disease in multiple individuals from two families who have clinical features consistent with Charcot-Marie-Tooth disease (Stojkovic, 1999; Liang, 2019). This amino acid position is highly conserved in available vertebrate species. Functional assays demonstrate reduced junctional conductance compared to controls in vitro (Abrams, 2017). This alteration is predicted to be deleterious by in silico analysis. Based on the available evidence, this alteration is classified as likely pathogenic.

GeneDx
Classification: Pathogenic. Last evaluated: 2022-05-02. Review status: criteria provided, single submitter. Criteria: GeneDx Variant Classification Process June 2021. Collection method: clinical testing. Allele origin: germline. Affected: yes.
Comment: Previously reported many times in association with CMTX1; some patients with R142Q also had deafness and central nervous system symptoms (Stojkovic et al., 1999; Dubourg et al., 2001; Kulkarni et al., 2015; Lu et al., 2017; Bone et al., 1997).; Published functional studies demonstrate that the R142Q variant alters the formation and structure of gap junction plaques (Abrams et al., 2017); Not observed at significant frequency in large population cohorts (gnomAD); Missense variants in this gene are often considered pathogenic (HGMD); In silico analysis, which includes protein predictors and evolutionary conservation, supports that this variant does not alter protein structure/function; This variant is associated with the following publications: (PMID: 12542510, 30042657, 9856562, 28071741, 17603245, 11571214, 25745327, 28469099, 19259128, 27544631, 21291455, 28448691, 9361298, 29998508, 32376792, 31323543, 31220874, 31842800, 32903794, 30952033, 33314704, 10102421)

ARUP Laboratories, Molecular Genetics and Genomics, ARUP Laboratories
Classification: Likely pathogenic for Charcot-Marie-Tooth disease X-linked dominant 1. Last evaluated: 2019-05-08. Review status: criteria provided, single submitter. Criteria: ARUP Molecular Germline Variant Investigation Process. Collection method: clinical testing. Allele origin: germline.
Comment: The GJB1 c.425G>A; p.Arg142Gln variant (rs786204123) is reported in the literature in several individuals and families affected with X-linked Charcot-Marie-Tooth (CMT) disease (Dubourg 2001, Ikegami 1998, Stojkovic 1999). In one family, which also exhibited sensorineural deafness, this variant was found in at least six affected individuals and was absent from two unaffected relatives, although it was also found in two individuals without symptoms who may have been too young to manifest with disease (Stojkovic 1999). This variant is absent from general population databases (Exome Variant Server, Genome Aggregation Database), indicating it is not a common polymorphism. The arginine at codon 142 is highly conserved, and computational analyses (SIFT, PolyPhen-2) predict that this variant is deleterious. Additionally, other amino acid substitutions at this codon (p.Arg142Gly, p.Arg142Trp) have been reported in individuals with CMT and are considered disease-causing (Bergoffen 1993, Lorefice 2017, Yuan 2018). Based on available information, the p.Arg142Gln variant is considered to be likely pathogenic. References: Bergoffen J et al. Connexin mutations in X-linked Charcot-Marie-Tooth disease. Science. 1993 Dec 24;262(5142):2039-42. Dubourg O et al. Clinical, electrophysiological and molecular genetic characteristics of 93 patients with X-linked Charcot-Marie-Tooth disease. Brain. 2001 Oct;124(Pt 10):1958-67. Ikegami T et al. Four novel mutations of the connexin 32 gene in four Japanese families with Charcot-Marie-Tooth disease type 1. Am J Med Genet. 1998 Dec 4;80(4):352-5. Lorefice L et al. Charcot-Marie-Tooth disease: genetic subtypes in the Sardinian population. Neurol Sci. 2017 Jun;38(6):1019-1025. Stojkovic T et al. Sensorineural deafness in X-linked Charcot-Marie-Tooth disease with connexin 32 mutation (R142Q). Neurology. 1999 Mar 23;52(5):1010-4. Yuan JH et al. Genetic and phenotypic profile of 112 patients with X-linked Charcot-Marie-Tooth disease type 1. Eur J Neurol. 2018 Dec;25(12):1454-1461.

Genomic Research Center, Shahid Beheshti University of Medical Sciences
Classification: Likely pathogenic for X-linked hereditary motor and sensory neuropathy. Last evaluated: 2018-08-07. Review status: criteria provided, single submitter. Criteria: ACMG Guidelines, 2015. Collection method: clinical testing. Allele origin: inherited. Affected: yes. Observed: 1 variant allele.

Juno Genomics, Hangzhou Juno Genomics, Inc
Classification: Pathogenic for Charcot-Marie-Tooth disease X-linked dominant 1. Review status: criteria provided, single submitter. Criteria: ACMG Guidelines, 2015. Collection method: clinical testing. Allele origin: germline.
Comment: Absent from controls (or at extremely low frequency if recessive) in Genome Aggregation Database.;Novel missense change at an amino acid residue where a different missense change determined to be pathogenic has been seen before.;Multiple lines of computational evidence support a deleterious effect on the gene or gene product.;The prevalence of the variant in affected individuals is significantly increased compared to the prevalence in controls.;Co-segregation with disease in multiple affected family members.

Inherited Neuropathy Consortium
Classification: Uncertain significance for Charcot-Marie-Tooth disease. Review status: flagged submission. Collection method: literature only. Allele origin: germline. Affected: yes. Not counted in ClinVar's aggregate classification.
ClinVar note: Reason: Outlier claim with insufficient supporting evidence

Literature cited by the submitters: PubMed 9361298 (cited by Labcorp Genetics (formerly Invitae), Labcorp); PubMed 10102421 (cited by Labcorp Genetics (formerly Invitae), Labcorp and Ambry Genetics); PubMed 11571214 (cited by 3 submitters); PubMed 8004109 (cited by Labcorp Genetics (formerly Invitae), Labcorp); PubMed 10207904 (cited by Labcorp Genetics (formerly Invitae), Labcorp); PubMed 10848620 (cited by Labcorp Genetics (formerly Invitae), Labcorp); PubMed 21291455 (cited by Ambry Genetics); PubMed 27544631 (cited by Ambry Genetics); PubMed 28071741 (cited by Ambry Genetics); PubMed 28469099 (cited by Ambry Genetics); PubMed 31220874 (cited by Ambry Genetics); PubMed 31323543 (cited by Ambry Genetics); PubMed 31842800 (cited by Ambry Genetics); PubMed 32376792 (cited by Ambry Genetics); PubMed 33314704 (cited by Ambry Genetics).